The following is an entry in ClinVar:

ClinVar aggregate classification (germline): Uncertain significance (1 of 4 stars; one submission).

Conditions:
Primary ciliary dyskinesia. Also called: Ciliary dyskinesia. Identifiers: Orphanet 244, MedGen C0008780, MONDO:0016575, HP:0012265.

Submission:

Labcorp Genetics (formerly Invitae), Labcorp
Classification: Uncertain significance for Primary ciliary dyskinesia. Last evaluated: 2023-07-07. Review status: criteria provided, single submitter. Criteria: Invitae Variant Classification Sherloc (09022015). Collection method: clinical testing. Allele origin: germline.
Comment: In summary, the available evidence is currently insufficient to determine the role of this variant in disease. Therefore, it has been classified as a Variant of Uncertain Significance. Advanced modeling of protein sequence and biophysical properties (such as structural, functional, and spatial information, amino acid conservation, physicochemical variation, residue mobility, and thermodynamic stability) performed at Invitae indicates that this missense variant is not expected to disrupt RSPH4A protein function. ClinVar contains an entry for this variant (Variation ID: 1463826). This variant has not been reported in the literature in individuals affected with RSPH4A-related conditions. This variant is not present in population databases (gnomAD no frequency). This sequence change replaces serine, which is neutral and polar, with glycine, which is neutral and non-polar, at codon 223 of the RSPH4A protein (p.Ser223Gly).

NM_001010892.3(RSPH4A):c.667A>G (p.Ser223Gly)

Gene: RSPH4A (radial spoke head component 4A; plus strand). Cytogenetic location: 6q22.1.
Variant type: single nucleotide variant.
Coding change: c.667A>G on transcript NM_001010892.3 (MANE Select); coding-DNA position 667, A replaced by G.
Protein change: p.Ser223Gly; replaces serine 223 with glycine.
Molecular consequence: missense variant.
Genome position (GRCh38, 1-based): chr6:116,617,290, A>G. VCF-style: chr6-116617290-A-G. GRCh37 (hg19) VCF-style: chr6-116938453-A-G.
Other names: c.667A>G, p.Ser223Gly (NM_001161664.2); short protein forms S223G.
Identifiers: ClinVar variation 1463826 (VCV001463826.8), dbSNP rs1775525747, ClinGen allele CA365395731.